The following is an entry in ClinVar:

NC_000002.12:g.121531006A>C

Genes: CLASP1 (cytoplasmic linker associated protein 1; minus strand), CLASP1-AS1 (CLASP1 antisense RNA 1; plus strand), RNU4ATAC (RNA, U4atac small nuclear; plus strand). Cytogenetic location: 2q14.2.
Variant type: single nucleotide variant.
Molecular consequence: intron variant (on NM_001395891.1).
Genome position: GRCh38 VCF-style: chr2-121531006-A-C. GRCh37 (hg19) VCF-style: chr2-122288582-A-C.
Other names: c.196-681T>G (NM_001142274.2, NM_015282.3, NM_001378003.1 and 5 more transcripts).
Identifiers: ClinVar variation 2086571 (VCV002086571.3), dbSNP rs758573942, ClinGen allele CA1854749.

ClinVar aggregate classification (germline): Uncertain significance (1 of 4 stars; one submission).

Allele frequency attached by ClinVar (database versions not stated): gnomAD 0.00001; TOPMed 0.00001; ExAC 0.00009.
gnomAD v4.1: 3 of 700,220 alleles (0.00043%); highest among the groups gnomAD compares: African/African-American, 0.0017%; no homozygotes.

Submission:

Labcorp Genetics (formerly Invitae), Labcorp
Classification: Uncertain significance. Last evaluated: 2024-11-18. Review status: criteria provided, single submitter. Criteria: Invitae Variant Classification Sherloc (09022015). Collection method: clinical testing. Allele origin: germline.
Comment: This variant occurs in the RNU4ATAC gene, which encodes an RNA molecule that does not result in a protein product. This variant is present in population databases (rs758573942, gnomAD 0.007%). This variant has not been reported in the literature in individuals affected with RNU4ATAC-related conditions. ClinVar contains an entry for this variant (Variation ID: 2086571). Experimental studies and prediction algorithms are not available or were not evaluated, and the functional significance of this variant is currently unknown. In summary, the available evidence is currently insufficient to determine the role of this variant in disease. Therefore, it has been classified as a Variant of Uncertain Significance.